The following is an entry in ClinVar:

NM_000191.3(HMGCL):c.565A>C (p.Thr189Pro)

Gene: HMGCL (3-hydroxy-3-methylglutaryl-CoA lyase; minus strand). Cytogenetic location: 1p36.11.
Variant type: single nucleotide variant.
Coding change: c.565A>C on transcript NM_000191.3 (MANE Select); coding-DNA position 565, A replaced by C.
Protein change: p.Thr189Pro; replaces threonine 189 with proline.
Molecular consequence: missense variant.
Genome position (GRCh38, 1-based): chr1:23,808,320, T>G on the plus strand (A>C on the coding strand, the complement: HMGCL is on the minus strand). VCF-style: chr1-23808320-T-G. GRCh37 (hg19) VCF-style: chr1-24134810-T-G.
Other names: c.352A>C, p.Thr118Pro (NM_001166059.2); short protein forms T118P, T189P.
Identifiers: ClinVar variation 1977700 (VCV001977700.2), dbSNP rs1221071615, ClinGen allele CA339024566.

ClinVar aggregate classification (germline): Uncertain significance (1 of 4 stars; one submission).

Conditions:
Deficiency of hydroxymethylglutaryl-CoA lyase (HMGCLD). Also called: Defect in leucine metabolism; 3-hydroxy-3-methylglutaric aciduria; HMGCL DEFICIENCY; HYDROXYMETHYLGLUTARIC ACIDURIA; HMG-CoA LYASE DEFICIENCY. Identifiers: Orphanet 20, MedGen C1533587, MONDO:0009520, OMIM 246450.

Allele frequency attached by ClinVar (database versions not stated): gnomAD exomes below 0.00001.
gnomAD v4.1: 1 of 1,613,842 alleles (0.000062%); highest among the groups gnomAD compares: Admixed American, 0.0017%; no homozygotes.

Submission:

Labcorp Genetics (formerly Invitae), Labcorp
Classification: Uncertain significance for Deficiency of hydroxymethylglutaryl-CoA lyase. Last evaluated: 2022-08-21. Review status: criteria provided, single submitter. Criteria: Invitae Variant Classification Sherloc (09022015). Collection method: clinical testing. Allele origin: germline.
Comment: This sequence change replaces threonine, which is neutral and polar, with proline, which is neutral and non-polar, at codon 189 of the HMGCL protein (p.Thr189Pro). This variant is present in population databases (no rsID available, gnomAD 0.003%). This variant has not been reported in the literature in individuals affected with HMGCL-related conditions. Algorithms developed to predict the effect of missense changes on protein structure and function are either unavailable or do not agree on the potential impact of this missense change (SIFT: "Deleterious"; PolyPhen-2: "Benign"; Align-GVGD: "Class C0"). In summary, the available evidence is currently insufficient to determine the role of this variant in disease. Therefore, it has been classified as a Variant of Uncertain Significance.